The following is an entry in ClinVar:

NM_006361.6(HOXB13):c.843C>A (p.Ser281Arg)

Gene: HOXB13 (homeobox B13; minus strand). Cytogenetic location: 17q21.32.
Variant type: single nucleotide variant.
Coding change: c.843C>A on transcript NM_006361.6 (MANE Select); coding-DNA position 843, C replaced by A.
Protein change: p.Ser281Arg; replaces serine 281 with arginine.
Molecular consequence: missense variant.
Genome position (GRCh38, 1-based): chr17:48,726,802, G>T on the plus strand (C>A on the coding strand, the complement: HOXB13 is on the minus strand). VCF-style: chr17-48726802-G-T. GRCh37 (hg19) VCF-style: chr17-46804164-G-T.
Other names: short protein forms S281R.
Identifiers: ClinVar variation 1907540 (VCV001907540.8), dbSNP rs763047500, ClinGen allele CA400105202.
Genomic context (GRCh38, chr17:48,726,802, plus strand): 5'-CCCAGGACACCCCCACTTTCGCTCCTCCCACCCAGGCAAGGAGATCTCTTAAGGGGTAGC[G>T]CTGTTCTTCACCTTGGCGAGAACCTTCTTCTCTTTGACCCGGCGGTTCTGAAACCAGATG-3'
Protein context (NP_006352.2, residues 271-284): EKKVLAKVKN[Ser281Arg]ATP

ClinVar aggregate classification (germline): Uncertain significance. Review status: criteria provided, multiple submitters, no conflicts (2 of 4 stars). 3 submissions from 3 submitters: Uncertain significance (3). Last evaluated 2025-01-13.

Conditions:
Hereditary cancer-predisposing syndrome. Also called: Neoplastic Syndromes, Hereditary; Hereditary Cancer Syndrome; Tumor predisposition; Hereditary neoplastic syndrome. Identifiers: Orphanet 140162, MedGen C0027672, MeSH D009386, MONDO:0015356.

Submissions (3):

Ambry Genetics
Classification: Uncertain significance for Hereditary cancer-predisposing syndrome. Last evaluated: 2025-01-13. Review status: criteria provided, single submitter. Criteria: Ambry Variant Classification Scheme 2023. Collection method: clinical testing. Allele origin: germline.
Comment: The p.S281R variant (also known as c.843C>A), located in coding exon 2 of the HOXB13 gene, results from a C to A substitution at nucleotide position 843. The serine at codon 281 is replaced by arginine, an amino acid with dissimilar properties. This amino acid position is conserved. In addition, this alteration is predicted to be tolerated by in silico analysis. Since supporting evidence is limited at this time, the clinical significance of this alteration remains unclear.

Quest Diagnostics Nichols Institute San Juan Capistrano
Classification: Uncertain significance. Last evaluated: 2024-11-19. Review status: criteria provided, single submitter. Criteria: Quest Diagnostics criteria. Collection method: clinical testing. Allele origin: unknown.
Comment: The HOXB13 c.843C>A (p.Ser281Arg) variant has not been reported in individuals with HOXB13-related conditions in the published literature. It also has not been reported in large, multi-ethnic general populations (Genome Aggregation Database). Analysis of this variant using bioinformatics tools for the prediction of the effect of amino acid changes on protein structure and function yielded predictions that this variant is benign. Based on the available information, we are unable to determine the clinical significance of this variant

Labcorp Genetics (formerly Invitae), Labcorp
Classification: Uncertain significance. Last evaluated: 2024-10-13. Review status: criteria provided, single submitter. Criteria: Invitae Variant Classification Sherloc (09022015). Collection method: clinical testing. Allele origin: germline.
Comment: This sequence change replaces serine, which is neutral and polar, with arginine, which is basic and polar, at codon 281 of the HOXB13 protein (p.Ser281Arg). This variant is not present in population databases (gnomAD no frequency). This variant has not been reported in the literature in individuals affected with HOXB13-related conditions. ClinVar contains an entry for this variant (Variation ID: 1907540). An algorithm developed to predict the effect of missense changes on protein structure and function (PolyPhen-2) suggests that this variant is likely to be tolerated. In summary, the available evidence is currently insufficient to determine the role of this variant in disease. Therefore, it has been classified as a Variant of Uncertain Significance.